The following is an entry in ClinVar:

ClinVar aggregate classification (germline): Conflicting classifications of pathogenicity. Review status: criteria provided, conflicting classifications (1 of 4 stars). 23 submissions from 23 submitters: Uncertain significance (4); Benign (2); Likely benign (14). 3 of the submissions do not count toward it. Last evaluated 2026-02-01.

Conditions:
ATM-related disorder. Also called: ATM-related disorders; ATM-related condition.
Hereditary cancer-predisposing syndrome. Also called: Neoplastic Syndromes, Hereditary; Hereditary Cancer Syndrome; Tumor predisposition; Hereditary neoplastic syndrome. Identifiers: Orphanet 140162, MedGen C0027672, MeSH D009386, MONDO:0015356.
Breast and/or ovarian cancer. Identifiers: MedGen CN221562.
Hereditary breast ovarian cancer syndrome. Also called: BRCA1- and BRCA2-Associated Hereditary Breast and Ovarian Cancer; Hereditary breast and ovarian cancer syndrome; Hereditary breast and ovarian cancer syndrome (HBOC); Hereditary breast and/or ovarian cancer syndrome; Hereditary breast and ovarian cancer; Breast and ovarian cancer. Identifiers: Orphanet 145, MedGen C0677776, MeSH D061325, MONDO:0003582. Disease mechanism: loss of function.
Familial cancer of breast. Also called: BREAST CANCER, FAMILIAL; hereditary breast carcinoma; Hereditary breast cancer. Identifiers: Orphanet 227535, MedGen C0346153, MONDO:0016419, OMIM 114480. Disease mechanism: loss of function.
Ataxia-telangiectasia syndrome (AT). Also called: Ataxia-telangiectasia, complementation group D; AT, COMPLEMENTATION GROUP C; Ataxia-telangiectasia; ATAXIA-TELANGIECTASIA, COMPLEMENTATION GROUP A; ATAXIA-TELANGIECTASIA, FRESNO VARIANT; Ataxia-telangiectasia, complementation group E. Identifiers: Orphanet 100, MedGen C0004135, MONDO:0008840, OMIM 208900.

Allele frequency attached by ClinVar (database versions not stated): ESP Exome Variant Server 0.00008; gnomAD 0.00096; TOPMed 0.00018.
gnomAD v4.1: 284 of 1,614,002 alleles (0.018%); highest among the groups gnomAD compares: Non-Finnish European, 0.022%; 1 homozygote.

Submissions 1 to 17 of 23:

Labcorp Genetics (formerly Invitae), Labcorp
Classification: Likely benign for Ataxia-telangiectasia syndrome. Last evaluated: 2026-02-01. Review status: criteria provided, single submitter. Criteria: Invitae Variant Classification Sherloc (09022015). Collection method: clinical testing. Allele origin: germline.

CeGaT Center for Human Genetics Tuebingen
Classification: Likely benign. Last evaluated: 2025-10-01. Review status: criteria provided, single submitter. Criteria: CeGaT Center For Human Genetics Tuebingen Variant Classification Criteria Version 2. Collection method: clinical testing. Allele origin: germline. Affected: yes. Observed: 17 variant alleles.
Comment: ATM: BP4, BS3:Supporting

German Consortium for Hereditary Breast and Ovarian Cancer, University Hospital Cologne
Classification: Likely benign for Hereditary breast ovarian cancer syndrome. Last evaluated: 2025-04-07. Review status: criteria provided, single submitter. Criteria: ClinGen ATM V1.3.0. Collection method: curation. Allele origin: germline.
Comment: According to the ClinGen ACMG ATM v1.3.0 criteria we chose these criteria: BP2 (supporting benign): GnomAD v4.1.0 1x homozygous (age unknown), BP4 (supporting benign): REVEL: 0.077; spliceAI: 0.0 , BS3 (medium benign): Scott 2022: normal kinase activity (Fig.2), rescue radiosensitivity ( Tbl. 2 ;SupFig6)

Center for Genomic Medicine, Rigshospitalet, Copenhagen University Hospital
Classification: Likely benign. Last evaluated: 2025-03-04. Review status: criteria provided, single submitter. Criteria: ACMG Guidelines, 2015. Collection method: clinical testing. Allele origin: germline.

Laboratory of Genetics, Children's Clinical University Hospital Latvia
Classification: Likely benign. Last evaluated: 2025-02-16. Review status: criteria provided, single submitter. Criteria: ACMG Guidelines, 2015. Collection method: clinical testing. Allele origin: germline. Affected: yes.

Blueprint Genetics
Classification: Likely benign. Last evaluated: 2024-10-29. Review status: criteria provided, single submitter. Criteria: ACMG Guidelines, 2015. Collection method: clinical testing. Allele origin: germline.

Myriad Genetics, Inc.
Classification: Likely benign for Familial cancer of breast. Last evaluated: 2024-06-12. Review status: criteria provided, single submitter. Criteria: Myriad Autosomal Dominant, Autosomal Recessive and X-Linked Classification Criteria (2023). Collection method: clinical testing. Allele origin: unknown.
Comment: This variant is considered likely benign. This variant is strongly associated with less severe personal and family histories of cancer, typical for individuals without pathogenic variants in this gene [PMID: 25085752].

Department of Pathology and Laboratory Medicine, Sinai Health System
Classification: Likely benign for Familial cancer of breast. Last evaluated: 2024-05-28. Review status: criteria provided, single submitter. Criteria: ACMG Guidelines, 2015. Collection method: clinical testing. Allele origin: germline. Affected: yes.

Institute for Biomarker Research, Medical Diagnostic Laboratories, L.L.C.
Classification: Uncertain significance for Hereditary cancer-predisposing syndrome. Last evaluated: 2024-03-22. Review status: criteria provided, single submitter. Criteria: ACMG Guidelines, 2015. Collection method: clinical testing. Allele origin: germline.

Women's Health and Genetics/Laboratory Corporation of America, LabCorp
Classification: Likely benign. Last evaluated: 2024-02-22. Review status: criteria provided, single submitter. Criteria: LabCorp Variant Classification Summary - May 2015. Collection method: clinical testing. Allele origin: germline.
Comment: Variant summary: ATM c.6860G>C (p.Gly2287Ala) results in a non-conservative amino acid change located in the FAT domain (IPR003151) of the encoded protein sequence. Three of five in-silico tools predict a benign effect of the variant on protein function. The variant allele was found at a frequency of 0.00019 in 251446 control chromosomes, predominantly at a frequency of 0.00033 within the Non-Finnish European subpopulation in the gnomAD database. This frequency is not significantly higher than estimated for a pathogenic variant in ATM causing Breast Cancer (0.00019 vs 0.001), allowing no conclusion about variant significance. In addition, this variant has also been reported in 4 European American individuals in Flossies database. This cohort consists of individuals older than age 70 years who never had cancer. c.6860G>C has been reported in the literature in individuals affected with Breast Cancer or Pancreatic Cancer (Dork_2001, Navrkalova_2013, Caminsky_2016, Tung_2016, Yurgelun_2017, Dorling_2021, Yu_2022) without strong evidence of causality, and was also found in unaffected controls. These reports do not provide unequivocal conclusions about association of the variant with Breast Cancer. A comprehensive functional study showed that this variant does not affect ATM function (Scott_PNAS_2002). In addition, tumor analysis of one breast cancer patient showed loss of the variant allele indicating a benign outcome (Vorechovsky_1996). The following publications have been ascertained in the context of this evaluation (PMID: 11606401, 19781682, 23585524, 11805335, 26898890, 26976419, 8665503, 28135145, 30374176, 31920950, 33471991, 35047863). ClinVar contains an entry for this variant (Variation ID: 127428). Based on the evidence outlined above, the variant was classified as likely benign.

Mendelics
Classification: Benign for Ataxia-telangiectasia syndrome. Last evaluated: 2023-08-22. Review status: criteria provided, single submitter. Criteria: Mendelics Assertion Criteria 2019. Collection method: clinical testing. Allele origin: germline.

CHEO Genetics Diagnostic Laboratory, Children's Hospital of Eastern Ontario
Classification: Uncertain significance for Breast and/or ovarian cancer. Last evaluated: 2022-05-17. Review status: criteria provided, single submitter. Criteria: ACMG Guidelines, 2015. Collection method: clinical testing. Allele origin: germline.

Quest Diagnostics Nichols Institute San Juan Capistrano
Classification: Benign. Last evaluated: 2022-03-16. Review status: criteria provided, single submitter. Criteria: Quest Diagnostics criteria. Collection method: clinical testing. Allele origin: unknown.

Institute for Clinical Genetics, University Hospital TU Dresden, University Hospital TU Dresden
Classification: Uncertain significance. Last evaluated: 2021-11-03. Review status: criteria provided, single submitter. Criteria: ACMG Guidelines, 2015. Collection method: clinical testing. Allele origin: germline.

Sema4
Classification: Likely benign for Hereditary cancer-predisposing syndrome. Last evaluated: 2021-01-29. Review status: criteria provided, single submitter. Criteria: Sema4 Curation Guidelines. Collection method: curation. Allele origin: germline.

GeneDx
Classification: Likely benign. Last evaluated: 2020-11-19. Review status: criteria provided, single submitter. Criteria: GeneDx Variant Classification Process June 2021. Collection method: clinical testing. Allele origin: germline. Affected: yes.
Comment: This variant is associated with the following publications: (PMID: 8665503, 26976419, 11606401, 23585524, 19781682, 22529920, 11805335, 25980754, 28135145, 16652348, 15159313, 15279808, 10464642, 30374176, 26206375, 26898890, 29300386, 30197789)

Spanish ATM Cancer Susceptibility Variant Interpretation Working Group
Classification: Uncertain significance for Hereditary cancer-predisposing syndrome. Last evaluated: 2020-06-17. Review status: criteria provided, single submitter. Criteria: Feliubadaló L et al. (Clin Chem 2021). Collection method: clinical testing. Allele origin: germline. Affected: yes. Observed: 1 heterozygote.
Comment: The c.6860G>C (p.Gly2287Ala) variant has an allele frequency of 0.00025 (0.03%, 69/268,070 alleles) in the gnomAD v2.1.1 non-cancer dataset, with a maximal frequency of 0.00050 (0.05%, 59/117,970 alleles) in the European (non-Finnish) subpopulation. However, the 99% confidence interval for this frequency is 0.036%, lower than the 0.05% cut-off for BS1 criterion (no population frequency criterion met). It is not predicted to lead to a splicing alteration as per SPiCE predictor and no splicing site is created/activated according to at least 3 splicing predictors of the set SpliceSiteFinderlike - MaxEntScan - NNSplice - GeneSplicer. Also, this missense variant does not alter the protein function / structure on the in-silico prediction reports of REVEL and PROVEAN (BP4). There is no other supporting data that meet criteria for consideration. Therefore, the clinical significance of this variant is uncertain. Adapted ACMG/AMP rules applied as defined by the Spanish ATM working group: BP4 (PMID: 33280026).

NM_000051.4(ATM):c.6860G>C (p.Gly2287Ala)

Genes: ATM (ATM serine/threonine kinase; plus strand), C11orf65 (chromosome 11 open reading frame 65; minus strand). Cytogenetic location: 11q22.3.
Variant type: single nucleotide variant.
Coding change: c.6860G>C on transcript NM_000051.4 (MANE Select); coding-DNA position 6860, G replaced by C.
Protein change: p.Gly2287Ala; replaces glycine 2287 with alanine.
Molecular consequence: missense variant. On other transcripts: intron variant (2).
Genome position (GRCh38, 1-based): chr11:108,326,110, G>C. VCF-style: chr11-108326110-G-C. GRCh37 (hg19) VCF-style: chr11-108196837-G-C.
Other names: p.G2287A:GGA>GCA; c.6860G>C, p.Gly2287Ala (NM_001351834.2); c.641-17039C>G (NM_001330368.2); c.*38+9110C>G (NM_001351110.2); short protein forms G2287A.
Identifiers: ClinVar variation 127428 (VCV000127428.79), dbSNP rs1800061, ClinGen allele CA286944.